The following is an entry in ClinVar:

NM_000587.4(C7):c.229A>G (p.Arg77Gly)

Gene: C7 (complement C7; plus strand). Cytogenetic location: 5p13.1.
Variant type: single nucleotide variant.
Coding change: c.229A>G on transcript NM_000587.4 (MANE Select); coding-DNA position 229, A replaced by G.
Protein change: p.Arg77Gly; replaces arginine 77 with glycine.
Molecular consequence: missense variant.
Genome position (GRCh38, 1-based): chr5:40,934,415, A>G. VCF-style: chr5-40934415-A-G. GRCh37 (hg19) VCF-style: chr5-40934517-A-G.
Other names: short protein forms R77G.
Identifiers: ClinVar variation 1351707 (VCV001351707.4), dbSNP rs41271061, ClinGen allele CA3249565.

ClinVar aggregate classification (germline): Uncertain significance (1 of 4 stars; one submission).

Allele frequency attached by ClinVar (database versions not stated): ESP Exome Variant Server 0.00008; 1000 Genomes Project 0.00020; gnomAD exomes 0.00020 and 0.00045; gnomAD 0.00021; TOPMed 0.00022; ExAC 0.00023; 1000 Genomes Project 30x 0.00031.
gnomAD v4.1: 670 of 1,613,808 alleles (0.042%); highest among the groups gnomAD compares: Non-Finnish European, 0.055%; no homozygotes.

Submission:

Labcorp Genetics (formerly Invitae), Labcorp
Classification: Uncertain significance. Last evaluated: 2024-12-17. Review status: criteria provided, single submitter. Criteria: Invitae Variant Classification Sherloc (09022015). Collection method: clinical testing. Allele origin: germline.
Comment: This sequence change replaces arginine, which is basic and polar, with glycine, which is neutral and non-polar, at codon 77 of the C7 protein (p.Arg77Gly). This variant is present in population databases (rs41271061, gnomAD 0.04%). This variant has not been reported in the literature in individuals affected with C7-related conditions. ClinVar contains an entry for this variant (Variation ID: 1351707). Invitae Evidence Modeling of protein sequence and biophysical properties (such as structural, functional, and spatial information, amino acid conservation, physicochemical variation, residue mobility, and thermodynamic stability) indicates that this missense variant is expected to disrupt C7 protein function with a positive predictive value of 80%. In summary, the available evidence is currently insufficient to determine the role of this variant in disease. Therefore, it has been classified as a Variant of Uncertain Significance.